The following is an entry in ClinVar:

NM_023110.3(FGFR1):c.1178C>T (p.Ser393Leu)

Gene: FGFR1 (fibroblast growth factor receptor 1; minus strand). Cytogenetic location: 8p11.23.
Variant type: single nucleotide variant.
Coding change: c.1178C>T on transcript NM_023110.3 (MANE Select); coding-DNA position 1178, C replaced by T.
Protein change: p.Ser393Leu; replaces serine 393 with leucine.
Molecular consequence: missense variant.
Genome position (GRCh38, 1-based): chr8:38,419,639, G>A on the plus strand (C>T on the coding strand, the complement: FGFR1 is on the minus strand). VCF-style: chr8-38419639-G-A. GRCh37 (hg19) VCF-style: chr8-38277157-G-A.
Other names: c.1271C>T, p.Ser424Leu (NM_001174067.2); c.1172C>T, p.Ser391Leu (NM_001354367.2, NM_001354369.2, NM_015850.4 and 1 more transcripts); c.905C>T, p.Ser302Leu (NM_001354368.2, NM_001354370.2, NM_023106.3); c.911C>T, p.Ser304Leu (NM_023105.3, NM_001174066.2); c.1178C>T, p.Ser393Leu (NM_001174063.2); c.1154C>T, p.Ser385Leu (NM_001174064.2); short protein forms S302L, S304L, S385L, S391L, S393L, S424L.
Identifiers: ClinVar variation 1191755 (VCV001191755.9), dbSNP rs369059499, ClinGen allele CA4718461.

ClinVar aggregate classification (germline): Conflicting classifications of pathogenicity. Review status: criteria provided, conflicting classifications (1 of 4 stars). 3 submissions from 3 submitters: Uncertain significance (1); Likely benign (2). Last evaluated 2026-03-11.

Conditions:
Hypogonadotropic hypogonadism 2 with or without anosmia (HH2). Also called: HYPOGONADOTROPIC HYPOGONADISM 2 WITHOUT ANOSMIA; FGFR1-Related GnRH Deficiency (Kallmann Syndrome 2); HYPOGONADOTROPIC HYPOGONADISM 2 WITH OR WITHOUT ANOSMIA, SUSCEPTIBILITY TO; HYPOGONADOTROPIC HYPOGONADISM 2 WITHOUT ANOSMIA, SUSCEPTIBILITY TO. Identifiers: Orphanet 478, MedGen C1563720, MONDO:0007844, OMIM 147950. Disease mechanism: loss of function.
Pfeiffer syndrome (ACS5). Also called: ACS V. Identifiers: Orphanet 710, MedGen C0220658, MONDO:0007043, OMIM 101600.
FGFR1-related disorder. Also called: FGFR1-related condition; FGFR1-related disorders. Identifiers: MedGen CN380097.

Allele frequency attached by ClinVar (database versions not stated): ExAC 0.00002; gnomAD 0.00002 and 0.00003; gnomAD exomes 0.00004; TOPMed 0.00006; ESP Exome Variant Server 0.00024.
gnomAD v4.1: 72 of 1,613,932 alleles (0.0045%); highest among the groups gnomAD compares: Non-Finnish European, 0.0053%; no homozygotes.

Submissions (3):

PreventionGenetics, part of Exact Sciences
Classification: Uncertain significance for FGFR1-related condition. Last evaluated: 2026-03-11. Review status: criteria provided, single submitter. Criteria: ACMG Guidelines, 2015. Collection method: clinical testing. Allele origin: germline.
Comment: The FGFR1 c.1178C>T variant is predicted to result in the amino acid substitution p.Ser393Leu. To our knowledge, this variant has not been reported in the literature. This variant is reported in 0.0085% of alleles in individuals of European (Non-Finnish) descent in gnomAD. At this time, the clinical significance of this variant is uncertain due to the absence of conclusive functional and genetic evidence.

Labcorp Genetics (formerly Invitae), Labcorp
Classification: Likely benign for Pfeiffer syndrome; Hypogonadotropic hypogonadism 2 with or without anosmia. Last evaluated: 2026-01-21. Review status: criteria provided, single submitter. Criteria: Invitae Variant Classification Sherloc (09022015). Collection method: clinical testing. Allele origin: germline.

GeneDx
Classification: Likely benign. Last evaluated: 2019-12-03. Review status: criteria provided, single submitter. Criteria: GeneDx Variant Classification Process June 2021. Collection method: clinical testing. Allele origin: germline. Affected: yes.
Comment: In silico analysis, which includes protein predictors and evolutionary conservation, supports that this variant does not alter protein structure/function; Has not been previously published as pathogenic or benign to our knowledge; This variant is associated with the following publications: (PMID: 27626691)